The following is an entry in ClinVar:

ClinVar aggregate classification (germline): Uncertain significance. Review status: criteria provided, multiple submitters, no conflicts (2 of 4 stars). 3 submissions from 3 submitters: Uncertain significance (3). Last evaluated 2025-02-27.

Conditions:
Hereditary cancer-predisposing syndrome. Also called: Hereditary neoplastic syndrome; Tumor predisposition; Neoplastic Syndromes, Hereditary; Hereditary Cancer Syndrome. Identifiers: Orphanet 140162, MedGen C0027672, MeSH D009386, MONDO:0015356.
Cardiovascular phenotype. Identifiers: MedGen CN230736.
Neurofibromatosis, type 1 (NF1). Also called: Neurofibromatosis, type I; NEUROFIBROMATOSIS, TYPE I, SOMATIC; Peripheral type neurofibromatosis; VON RECKLINGHAUSEN DISEASE. Identifiers: Orphanet 636, MedGen C0027831, MONDO:0018975, OMIM 162200. Disease mechanism: loss of function.

gnomAD v4.1: 1 of 1,613,754 alleles (0.000062%); highest among the groups gnomAD compares: Non-Finnish European, 0.000085%; no homozygotes.

Submissions (3):

Labcorp Genetics (formerly Invitae), Labcorp
Classification: Uncertain significance for Neurofibromatosis, type 1. Last evaluated: 2025-02-27. Review status: criteria provided, single submitter. Criteria: Invitae Variant Classification Sherloc (09022015). Collection method: clinical testing. Allele origin: germline.
Comment: This sequence change replaces proline, which is neutral and non-polar, with arginine, which is basic and polar, at codon 1400 of the NF1 protein (p.Pro1400Arg). This variant is not present in population databases (gnomAD no frequency). This variant has not been reported in the literature in individuals affected with NF1-related conditions. ClinVar contains an entry for this variant (Variation ID: 429006). Invitae Evidence Modeling of protein sequence and biophysical properties (such as structural, functional, and spatial information, amino acid conservation, physicochemical variation, residue mobility, and thermodynamic stability) indicates that this missense variant is expected to disrupt NF1 protein function with a positive predictive value of 95%. Algorithms developed to predict the effect of sequence changes on RNA splicing suggest that this variant may disrupt the consensus splice site. In summary, the available evidence is currently insufficient to determine the role of this variant in disease. Therefore, it has been classified as a Variant of Uncertain Significance.

Greenwood Genetic Center Diagnostic Laboratories, Greenwood Genetic Center
Classification: Uncertain significance. Last evaluated: 2020-10-09. Review status: criteria provided, single submitter. Criteria: ACMG Guidelines, 2015. Collection method: clinical testing. Allele origin: germline. Affected: yes.

Ambry Genetics
Classification: Uncertain significance for Cardiovascular phenotype; Hereditary cancer-predisposing syndrome. Last evaluated: 2016-09-01. Review status: criteria provided, single submitter. Criteria: Ambry Variant Classification Scheme 2023. Collection method: clinical testing. Allele origin: germline.
Comment: The p.P1400R variant (also known as c.4199C>G), located in coding exon 31 of the NF1 gene, results from a C to G substitution at nucleotide position 4199. The proline at codon 1400 is replaced by arginine, an amino acid with dissimilar properties. This variant was not reported in population based cohorts in the following databases: Database of Single Nucleotide Polymorphisms (dbSNP), NHLBI Exome Sequencing Project (ESP), and 1000 Genomes Project. In the ESP, this variant was not observed in 6502 samples (13004 alleles) with coverage at this position. This amino acid position is highly conserved in available vertebrate species. In addition, this alteration is predicted to be deleterious by in silico analysis. Since supporting evidence is limited at this time, the clinical significance of this alteration remains unclear.

NM_001042492.3(NF1):c.4262C>G (p.Pro1421Arg)

Gene: NF1 (neurofibromin 1; plus strand). Cytogenetic location: 17q11.2.
Variant type: single nucleotide variant.
Coding change: c.4262C>G on transcript NM_001042492.3 (MANE Select); coding-DNA position 4262, C replaced by G.
Protein change: p.Pro1421Arg; replaces proline 1421 with arginine.
Molecular consequence: missense variant.
Genome position (GRCh38, 1-based): chr17:31,258,432, C>G. VCF-style: chr17-31258432-C-G. GRCh37 (hg19) VCF-style: chr17-29585450-C-G.
Other names: c.4199C>G, p.Pro1400Arg (NM_000267.4); short protein forms P1400R, P1421R.
Identifiers: ClinVar variation 429006 (VCV000429006.11), dbSNP rs753997885, ClinGen allele CA398997935.